The following is an entry in ClinVar:

ClinVar aggregate classification (germline): Uncertain significance (1 of 4 stars; one submission).

Conditions:
Hereditary cancer-predisposing syndrome. Also called: Tumor predisposition; Hereditary Cancer Syndrome; Neoplastic Syndromes, Hereditary; Hereditary neoplastic syndrome. Identifiers: Orphanet 140162, MedGen C0027672, MeSH D009386, MONDO:0015356.

gnomAD v4.1: 1 of 1,614,242 alleles (0.000062%); highest among the groups gnomAD compares: South Asian, 0.0011%; no homozygotes.

Submission:

Ambry Genetics
Classification: Uncertain significance for Hereditary cancer-predisposing syndrome. Last evaluated: 2022-06-10. Review status: criteria provided, single submitter. Criteria: Ambry Variant Classification Scheme 2023. Collection method: clinical testing. Allele origin: germline.
Comment: The p.S966G variant (also known as c.2896A>G), located in coding exon 15 of the APC gene, results from an A to G substitution at nucleotide position 2896. The serine at codon 966 is replaced by glycine, an amino acid with similar properties. This amino acid position is highly conserved in available vertebrate species. In addition, in silico predictors for this gene do not accurately predict pathogenicity. Since supporting evidence is limited at this time, the clinical significance of this alteration remains unclear.

NM_000038.6(APC):c.2896A>G (p.Ser966Gly)

Gene: APC (APC regulator of Wnt signaling pathway; plus strand). Cytogenetic location: 5q22.2.
Variant type: single nucleotide variant.
Coding change: c.2896A>G on transcript NM_000038.6 (MANE Select); coding-DNA position 2896, A replaced by G.
Protein change: p.Ser966Gly; replaces serine 966 with glycine.
Molecular consequence: missense variant.
Genome position (GRCh38, 1-based): chr5:112,838,490, A>G. VCF-style: chr5-112838490-A-G. GRCh37 (hg19) VCF-style: chr5-112174187-A-G.
Other names: c.2896A>G, p.Ser966Gly (NM_001127510.3, NM_001354895.2, NM_001407450.1); c.2842A>G, p.Ser948Gly (NM_001127511.3); c.2950A>G, p.Ser984Gly (NM_001354896.2, NM_001407447.1, NM_001407448.1 and 1 more transcripts); c.2926A>G, p.Ser976Gly (NM_001354897.2); c.2821A>G, p.Ser941Gly (NM_001354898.2); c.2812A>G, p.Ser938Gly (NM_001354899.2); c.2773A>G, p.Ser925Gly (NM_001354900.2); c.2719A>G, p.Ser907Gly (NM_001354901.2, NM_001407453.1); and 11 more; short protein forms S883G, S938G, S959G, S976G, S837G, S865G, S948G, S956G.
Identifiers: ClinVar variation 1797353 (VCV001797353.2), dbSNP rs2149879693, ClinGen allele CA16027654.